The following is an entry in ClinVar:

ClinVar aggregate classification (germline): Uncertain significance (1 of 4 stars; one submission).

Conditions:
Severe combined immunodeficiency due to DCLRE1C deficiency (RS-SCID). Also called: SCID, AUTOSOMAL RECESSIVE, T CELL-NEGATIVE, B CELL-NEGATIVE, NK CELL-POSITIVE, WITH SENSITIVITY TO IONIZING RADIATION. Identifiers: Orphanet 275, MedGen C1865371, MONDO:0011225, OMIM 602450.

Submission:

Labcorp Genetics (formerly Invitae), Labcorp
Classification: Uncertain significance for Athabaskan severe combined immunodeficiency. Last evaluated: 2021-08-25. Review status: criteria provided, single submitter. Criteria: Invitae Variant Classification Sherloc (09022015). Collection method: clinical testing. Allele origin: germline.
Comment: This sequence change replaces glutamic acid with glutamine at codon 545 of the DCLRE1C protein (p.Glu545Gln). The glutamic acid residue is weakly conserved and there is a small physicochemical difference between glutamic acid and glutamine. This variant is not present in population databases (ExAC no frequency). This variant has not been reported in the literature in individuals affected with DCLRE1C-related conditions. Algorithms developed to predict the effect of missense changes on protein structure and function are either unavailable or do not agree on the potential impact of this missense change (SIFT: "Tolerated"; PolyPhen-2: "Possibly Damaging"; Align-GVGD: "Class C0"). In summary, the available evidence is currently insufficient to determine the role of this variant in disease. Therefore, it has been classified as a Variant of Uncertain Significance.

NM_001033855.3(DCLRE1C):c.1633G>C (p.Glu545Gln)

Gene: DCLRE1C (DNA cross-link repair 1C; minus strand). Cytogenetic location: 10p13.
Variant type: single nucleotide variant.
Coding change: c.1633G>C on transcript NM_001033855.3 (MANE Select); coding-DNA position 1633, G replaced by C.
Protein change: p.Glu545Gln; replaces glutamic acid 545 with glutamine.
Molecular consequence: missense variant. On other transcripts: non-coding transcript variant (4).
Genome position (GRCh38, 1-based): chr10:14,908,854, C>G on the plus strand (G>C on the coding strand, the complement: DCLRE1C is on the minus strand). VCF-style: chr10-14908854-C-G. GRCh37 (hg19) VCF-style: chr10-14950853-C-G.
Other names: c.1273G>C, p.Glu425Gln (NM_001033857.3, NM_001033858.3, NM_001289077.2 and 2 more transcripts); c.1288G>C, p.Glu430Gln (NM_001289076.2, NM_001289078.2, NM_001350966.2 and 1 more transcripts); c.1633G>C, p.Glu545Gln (NM_001350965.2); short protein forms E430Q, E425Q, E545Q.
Identifiers: ClinVar variation 646774 (VCV000646774.8), dbSNP rs1588892650, ClinGen allele CA376075165.
Genomic context (GRCh38, chr10:14,908,854, plus strand): 5'-TCTCTTGGGAAGATAACAAAACAGTATCAGATTGGCTGTCCCAGCCTTGACTTCCTTGTT[C>G]TGTTATGTGTGTTGACTGGGAAGAATTCTGGGAGGAGATGTGAGTTGATTCTCCATCAGA-3'
Protein context (NP_001029027.1, residues 535-555): QNSSQSTHIT[Glu545Gln]QGSQGWDSQS